The following is an entry in ClinVar:

ClinVar aggregate classification (germline): Benign/Likely benign. Review status: criteria provided, multiple submitters, no conflicts (2 of 4 stars). 7 submissions from 7 submitters: Benign (6); Likely benign (1). Last evaluated 2026-04-01.

Conditions:
Neuroblastoma, susceptibility to, 3. Also called: ALK-Related Neuroblastic Tumor Susceptibility. Identifiers: Orphanet 635, MedGen C2751681, MONDO:0013083, OMIM 613014.
Hereditary cancer-predisposing syndrome. Also called: Tumor predisposition; Hereditary Cancer Syndrome; Neoplastic Syndromes, Hereditary; Hereditary neoplastic syndrome. Identifiers: Orphanet 140162, MedGen C0027672, MeSH D009386, MONDO:0015356.

Allele frequency attached by ClinVar (database versions not stated): 1000 Genomes Project 0.00319; 1000 Genomes Project 30x 0.00375; gnomAD 0.00505 and 0.00557; ESP Exome Variant Server 0.00569; TOPMed 0.00597.
gnomAD v4.1: 1,517 of 1,570,148 alleles (0.097%); highest among the groups gnomAD compares: African/African-American, 1.8%; 13 homozygotes.

Submissions (7):

CeGaT Center for Human Genetics Tuebingen
Classification: Benign. Last evaluated: 2026-04-01. Review status: criteria provided, single submitter. Criteria: CeGaT Center For Human Genetics Tuebingen Variant Classification Criteria Version 2. Collection method: clinical testing. Allele origin: germline. Affected: yes. Observed: 1 variant allele.
Comment: ALK: BP4, BP7, BS1, BS2

Labcorp Genetics (formerly Invitae), Labcorp
Classification: Benign for Neuroblastoma, susceptibility to, 3. Last evaluated: 2026-02-03. Review status: criteria provided, single submitter. Criteria: Invitae Variant Classification Sherloc (09022015). Collection method: clinical testing. Allele origin: germline.

Blueprint Genetics
Classification: Likely benign. Last evaluated: 2024-10-23. Review status: criteria provided, single submitter. Criteria: ACMG Guidelines, 2015. Collection method: clinical testing. Allele origin: germline.

KCCC/NGS Laboratory, Kuwait Cancer Control Center
Classification: Benign for Neuroblastoma, susceptibility to, 3. Last evaluated: 2023-07-07. Review status: criteria provided, single submitter. Criteria: ACMG Guidelines, 2015. Collection method: clinical testing. Allele origin: germline. Affected: yes.

Women's Health and Genetics/Laboratory Corporation of America, LabCorp
Classification: Benign. Last evaluated: 2021-10-27. Review status: criteria provided, single submitter. Criteria: LabCorp Variant Classification Summary - May 2015. Collection method: clinical testing. Allele origin: germline.

GeneDx
Classification: Benign. Last evaluated: 2019-07-01. Review status: criteria provided, single submitter. Criteria: GeneDx Variant Classification Process June 2021. Collection method: clinical testing. Allele origin: germline. Affected: yes.

Ambry Genetics
Classification: Benign for Hereditary cancer-predisposing syndrome. Last evaluated: 2018-10-01. Review status: criteria provided, single submitter. Criteria: Ambry Variant Classification Scheme 2023. Collection method: clinical testing. Allele origin: germline.

NM_004304.5(ALK):c.267C>A (p.Gly89=)

Gene: ALK (ALK receptor tyrosine kinase; minus strand). Cytogenetic location: 2p23.1.
Variant type: single nucleotide variant.
Coding change: c.267C>A on transcript NM_004304.5 (MANE Select); coding-DNA position 267, C replaced by A.
Protein change: p.Gly89=; no amino-acid change (glycine 89 retained).
Molecular consequence: synonymous variant.
Genome position (GRCh38, 1-based): chr2:29,920,393, G>T on the plus strand (C>A on the coding strand, the complement: ALK is on the minus strand). VCF-style: chr2-29920393-G-T. GRCh37 (hg19) VCF-style: chr2-30143259-G-T.
Identifiers: ClinVar variation 239812 (VCV000239812.24), dbSNP rs192127241, ClinGen allele CA1595014.